The following is an entry in ClinVar:

ClinVar aggregate classification (germline): Uncertain significance (1 of 4 stars; one submission).

Conditions:
Epileptic encephalopathy. Identifiers: MedGen C0543888, HP:0200134.

Allele frequency attached by ClinVar (database versions not stated): gnomAD exomes below 0.00001; ExAC 0.00001.
gnomAD v4.1: 1 of 1,610,302 alleles (0.000062%); highest among the groups gnomAD compares: Admixed American, 0.0017%; no homozygotes.

Submission:

Labcorp Genetics (formerly Invitae), Labcorp
Classification: Uncertain significance for Epileptic encephalopathy. Last evaluated: 2019-11-07. Review status: criteria provided, single submitter. Criteria: Invitae Variant Classification Sherloc (09022015). Collection method: clinical testing. Allele origin: germline.
Comment: In summary, the available evidence is currently insufficient to determine the role of this variant in disease. Therefore, it has been classified as a Variant of Uncertain Significance. Algorithms developed to predict the effect of missense changes on protein structure and function (SIFT, PolyPhen-2, Align-GVGD) all suggest that this variant is likely to be tolerated, but these predictions have not been confirmed by published functional studies and their clinical significance is uncertain. This variant has not been reported in the literature in individuals with FASN-related conditions. This variant is present in population databases (rs752553190, ExAC 0.01%). This sequence change replaces glutamine with proline at codon 1562 of the FASN protein (p.Gln1562Pro). The glutamine residue is moderately conserved and there is a moderate physicochemical difference between glutamine and proline.

NM_004104.5(FASN):c.4685A>C (p.Gln1562Pro)

Gene: FASN (fatty acid synthase; minus strand). Cytogenetic location: 17q25.3.
Variant type: single nucleotide variant.
Coding change: c.4685A>C on transcript NM_004104.5 (MANE Select); coding-DNA position 4685, A replaced by C.
Protein change: p.Gln1562Pro; replaces glutamine 1562 with proline.
Molecular consequence: missense variant.
Genome position (GRCh38, 1-based): chr17:82,084,596, T>G on the plus strand (A>C on the coding strand, the complement: FASN is on the minus strand). VCF-style: chr17-82084596-T-G. GRCh37 (hg19) VCF-style: chr17-80042472-T-G.
Other names: short protein forms Q1562P.
Identifiers: ClinVar variation 961560 (VCV000961560.9), dbSNP rs752553190, ClinGen allele CA8851970.